The following is an entry in ClinVar:

NM_152594.3(SPRED1):c.519A>G (p.Ile173Met)

Gene: SPRED1 (sprouty related EVH1 domain containing 1; plus strand). Cytogenetic location: 15q14.
Variant type: single nucleotide variant.
Coding change: c.519A>G on transcript NM_152594.3 (MANE Select); coding-DNA position 519, A replaced by G.
Protein change: p.Ile173Met; replaces isoleucine 173 with methionine.
Molecular consequence: missense variant.
Genome position (GRCh38, 1-based): chr15:38,339,832, A>G. VCF-style: chr15-38339832-A-G. GRCh37 (hg19) VCF-style: chr15-38632033-A-G.
Other names: c.519A>G (NM_152594.2); short protein forms I173M.
Identifiers: ClinVar variation 2192999 (VCV002192999.5), dbSNP rs532147114, ClinGen allele CA7470106.

ClinVar aggregate classification (germline): Conflicting classifications of pathogenicity. Review status: criteria provided, conflicting classifications (1 of 4 stars). 2 submissions from 2 submitters: Uncertain significance (1); Likely benign (1). Last evaluated 2024-09-03.

Conditions:
Cardiovascular phenotype. Identifiers: MedGen CN230736.
Legius syndrome. Identifiers: Orphanet 137605, MedGen C1969623, MONDO:0012669, OMIM 611431. Disease mechanism: loss of function.

Allele frequency attached by ClinVar (database versions not stated): gnomAD 0.00001; gnomAD exomes 0.00001; TOPMed 0.00001; ExAC 0.00006; 1000 Genomes Project 30x 0.00016; 1000 Genomes Project 0.00020.
gnomAD v4.1: 17 of 1,613,968 alleles (0.0011%); highest among the groups gnomAD compares: South Asian, 0.0044%; no homozygotes.

Submissions (2):

Labcorp Genetics (formerly Invitae), Labcorp
Classification: Uncertain significance for Legius syndrome. Last evaluated: 2024-09-03. Review status: criteria provided, single submitter. Criteria: Invitae Variant Classification Sherloc (09022015). Collection method: clinical testing. Allele origin: germline.
Comment: This sequence change replaces isoleucine, which is neutral and non-polar, with methionine, which is neutral and non-polar, at codon 173 of the SPRED1 protein (p.Ile173Met). This variant is present in population databases (rs532147114, gnomAD 0.01%). This variant has not been reported in the literature in individuals affected with SPRED1-related conditions. ClinVar contains an entry for this variant (Variation ID: 2192999). Invitae Evidence Modeling of protein sequence and biophysical properties (such as structural, functional, and spatial information, amino acid conservation, physicochemical variation, residue mobility, and thermodynamic stability) indicates that this missense variant is not expected to disrupt SPRED1 protein function with a negative predictive value of 80%. In summary, the available evidence is currently insufficient to determine the role of this variant in disease. Therefore, it has been classified as a Variant of Uncertain Significance.

Ambry Genetics
Classification: Likely benign for Cardiovascular phenotype. Last evaluated: 2024-02-29. Review status: criteria provided, single submitter. Criteria: Ambry Variant Classification Scheme 2023. Collection method: clinical testing. Allele origin: germline.